The following is an entry in ClinVar:

NM_173628.4(DNAH17):c.7295C>T (p.Thr2432Met)

Genes: DNAH17 (dynein axonemal heavy chain 17; minus strand), DNAH17-AS1 (DNAH17 antisense RNA 1; plus strand). Cytogenetic location: 17q25.3.
Variant type: single nucleotide variant.
Coding change: c.7295C>T on transcript NM_173628.4 (MANE Select); coding-DNA position 7295, C replaced by T.
Protein change: p.Thr2432Met; replaces threonine 2432 with methionine.
Molecular consequence: missense variant.
Genome position (GRCh38, 1-based): chr17:78,485,738, G>A on the plus strand (C>T on the coding strand, the complement: DNAH17 is on the minus strand). VCF-style: chr17-78485738-G-A. GRCh37 (hg19) VCF-style: chr17-76481820-G-A.
Other names: short protein forms T2432M.
Identifiers: ClinVar variation 1294680 (VCV001294680.5), dbSNP rs78765826, ClinGen allele CA8802377.

ClinVar aggregate classification (germline): Benign. Review status: criteria provided, multiple submitters, no conflicts (2 of 4 stars). 3 submissions from 3 submitters: Benign (2). 1 of the submissions does not count toward it. Last evaluated 2021-05-04.

Conditions:
DNAH17-related disorder. Also called: DNAH17-related condition.

Allele frequency attached by ClinVar (database versions not stated): gnomAD exomes 0.00473; ExAC 0.00535; gnomAD 0.01690 and 0.01803; ESP Exome Variant Server 0.01710; TOPMed 0.01918; 1000 Genomes Project 0.02017; 1000 Genomes Project 30x 0.02030.
gnomAD v4.1: 5,528 of 1,612,486 alleles (0.34%); highest among the groups gnomAD compares: African/African-American, 5.8%; 132 homozygotes.

Submissions (3):

GeneDx
Classification: Benign. Last evaluated: 2021-05-04. Review status: criteria provided, single submitter. Criteria: GeneDx Variant Classification Process June 2021. Collection method: clinical testing. Allele origin: germline. Affected: yes.

Breakthrough Genomics
Classification: Benign. Review status: criteria provided, single submitter. Criteria: ACMG Guidelines, 2015. Collection method: not provided. Allele origin: germline. Inheritance: Autosomal recessive inheritance. Affected: yes.

PreventionGenetics, part of Exact Sciences
Classification: Benign for DNAH17-related condition. Last evaluated: 2019-12-23. Review status: no assertion criteria provided. Collection method: clinical testing. Allele origin: germline. Not counted in ClinVar's aggregate classification.
Comment: This variant is classified as benign based on ACMG/AMP sequence variant interpretation guidelines (Richards et al. 2015 PMID: 25741868, with internal and published modifications).